The following is an entry in ClinVar:

NM_003159.3(CDKL5):c.2899C>T (p.Leu967Phe)

Genes: CDKL5 (cyclin dependent kinase like 5; plus strand), RS1 (retinoschisin 1; minus strand). Cytogenetic location: Xp22.13.
Variant type: single nucleotide variant.
Coding change: c.2899C>T on transcript NM_003159.3; coding-DNA position 2899, C replaced by T.
Protein change: p.Leu967Phe; replaces leucine 967 with phenylalanine.
Molecular consequence: missense variant. On other transcripts: intron variant (1).
Genome position (GRCh38, 1-based): chrX:18,650,511, C>T. VCF-style: chrX-18650511-C-T. GRCh37 (hg19) VCF-style: chrX-18668631-C-T.
Other names: c.2899C>T, p.Leu967Phe (NM_001037343.2); c.185-3179G>A (NM_000330.4); short protein forms L967F.
Identifiers: ClinVar variation 1797379 (VCV001797379.2), dbSNP rs769305518, ClinGen allele CA412373547.

ClinVar aggregate classification (germline): Uncertain significance (1 of 4 stars; one submission).

Conditions:
Inborn genetic diseases. Identifiers: MedGen C0950123, MeSH D030342.

gnomAD v4.1: 9 of 1,212,118 alleles (0.00074%); highest among the groups gnomAD compares: Non-Finnish European, 0.001%; no homozygotes.

Submission:

Ambry Genetics
Classification: Uncertain significance for Inborn genetic diseases. Last evaluated: 2018-03-22. Review status: criteria provided, single submitter. Criteria: Ambry Variant Classification Scheme 2023. Collection method: clinical testing. Allele origin: germline.
Comment: The p.L967F variant (also known as c.2899C>T), located in coding exon 19 of the CDKL5 gene, results from a C to T substitution at nucleotide position 2899. The leucine at codon 967 is replaced by phenylalanine, an amino acid with highly similar properties. This amino acid position is highly conserved in available vertebrate species. In addition, this alteration is predicted to be tolerated by in silico analysis. Since supporting evidence is limited at this time, the clinical significance of this alteration remains unclear.